The following is an entry in ClinVar:

NM_003640.5(ELP1):c.650-1G>A

Gene: ELP1 (elongator acetyltransferase complex subunit 1; minus strand). Cytogenetic location: 9q31.3.
Variant type: single nucleotide variant.
Coding change: c.650-1G>A on transcript NM_003640.5 (MANE Select); the canonical splice acceptor site of the intron before coding-DNA position 650, G replaced by A.
Molecular consequence: splice acceptor variant. On other transcripts: intron variant (1).
Genome position (GRCh38, 1-based): chr9:108,918,902, C>T on the plus strand (G>A on the coding strand, the complement: ELP1 is on the minus strand). VCF-style: chr9-108918902-C-T. GRCh37 (hg19) VCF-style: chr9-111681182-C-T.
Other names: c.308-1G>A (NM_001318360.2); c.-307-1232G>A (NM_001330749.2).
Identifiers: ClinVar variation 4813680 (VCV004813680.1).
Genomic context (GRCh38, chr9:108,918,902, plus strand): 5'-CAGGCTCACTGGTTGACTGCAAAGCAAACTCTCGGTTCCACACTCTGACCTTCCGAGCCC[C>T]TGTGCGGGAGTGGAGTCAAACACACATACACACTTAAAACATTATGATAAAAGTTGTCAA-3'

ClinVar aggregate classification (germline): Likely pathogenic (1 of 4 stars; one submission).

Conditions:
Medulloblastoma (MDB). Also called: MEDULLOBLASTOMA PREDISPOSITION SYNDROME; Medulloblastoma, somatic. Identifiers: Orphanet 616, MedGen C0025149, MeSH D008527, MONDO:0007959, OMIM 155255, HP:0002885.

gnomAD v4.1: 1 of 1,613,386 alleles (0.000062%); highest among the groups gnomAD compares: South Asian, 0.0011%; no homozygotes.

Submission:

Zero Childhood Cancer Program, Children's Cancer Institute
Classification: Likely pathogenic for Medulloblastoma. Last evaluated: 2026-03-03. Review status: criteria provided, single submitter. Criteria: Zero Childhood Cancer Program Assertion Criteria November2025. Collection method: research. Allele origin: germline. Inheritance: Autosomal dominant inheritance. Affected: yes.
Comment: The c.650-1G>A variant in ELP1 occurs within the canonical splice acceptor site (- 1) of intron 7 of 36. It is predicted to cause loss of the acceptor site of exon 7 of 37, resulting in intronic retention and a stop gain leading to nonsense mediated decay in a gene in which loss-of-function is an established disease mechanism (PVS1; PMID: 18303054, 32296180). This prediction is confirmed by RNA sequencing of the patient’s tumour sample which demonstrated that the variant impacts splicing leading to intronic retention which then leads to a stop gain (internal data). This variant is rare in gnomAD v4 (frequency of 0.000000684) (PM2_Supporting). For these reasons, this variant has been classified as likely pathogenic.

Literature cited by the submitters: PubMed 18303054; PubMed 32296180.